The following is an entry in ClinVar:

NM_017866.6(TMEM70):c.232T>C (p.Tyr78His)

Gene: TMEM70 (transmembrane protein 70; plus strand). Cytogenetic location: 8q21.11.
Variant type: single nucleotide variant.
Coding change: c.232T>C on transcript NM_017866.6 (MANE Select); coding-DNA position 232, T replaced by C.
Protein change: p.Tyr78His; replaces tyrosine 78 with histidine.
Molecular consequence: missense variant. On other transcripts: non-coding transcript variant (1).
Genome position (GRCh38, 1-based): chr8:73,978,777, T>C. VCF-style: chr8-73978777-T-C. GRCh37 (hg19) VCF-style: chr8-74891012-T-C.
Other names: c.232T>C, p.Tyr78His (NM_001040613.3); short protein forms Y78H.
Identifiers: ClinVar variation 579487 (VCV000579487.6), dbSNP rs369641521, ClinGen allele CA179291282.

ClinVar aggregate classification (germline): Uncertain significance (1 of 4 stars; one submission).

Conditions:
Mitochondrial complex V (ATP synthase) deficiency, nuclear type 2. Also called: Nuclear-Encoded ATPase Deficiency, TMEM70-Related; ENCEPHALOCARDIOMYOPATHY, MITOCHONDRIAL, NEONATAL, DUE TO ATP SYNTHASE DEFICIENCY; MITOCHONDRIAL COMPLEX V (ATP SYNTHASE) DEFICIENCY, TMEM70 TYPE. Identifiers: Orphanet 1194, MedGen C3279699, MONDO:0013546, OMIM 614052.

Allele frequency attached by ClinVar (database versions not stated): gnomAD 0.00001; gnomAD exomes 0.00001; TOPMed 0.00001; ESP Exome Variant Server 0.00008.

Submission:

Labcorp Genetics (formerly Invitae), Labcorp
Classification: Uncertain significance for Mitochondrial complex V (ATP synthase) deficiency, nuclear type 2. Last evaluated: 2024-07-02. Review status: criteria provided, single submitter. Criteria: Invitae Variant Classification Sherloc (09022015). Collection method: clinical testing. Allele origin: germline.
Comment: This sequence change replaces tyrosine, which is neutral and polar, with histidine, which is basic and polar, at codon 78 of the TMEM70 protein (p.Tyr78His). This variant is not present in population databases (gnomAD no frequency). This variant has not been reported in the literature in individuals affected with TMEM70-related conditions. ClinVar contains an entry for this variant (Variation ID: 579487). Advanced modeling of protein sequence and biophysical properties (such as structural, functional, and spatial information, amino acid conservation, physicochemical variation, residue mobility, and thermodynamic stability) performed at Invitae indicates that this missense variant is not expected to disrupt TMEM70 protein function with a negative predictive value of 80%. In summary, the available evidence is currently insufficient to determine the role of this variant in disease. Therefore, it has been classified as a Variant of Uncertain Significance.